The following is an entry in ClinVar:

NM_001759.4(CCND2):c.802G>T (p.Gly268Ter)

Gene: CCND2 (cyclin D2; plus strand). Cytogenetic location: 12p13.32.
Variant type: single nucleotide variant.
Coding change: c.802G>T on transcript NM_001759.4 (MANE Select); coding-DNA position 802, G replaced by T.
Protein change: p.Gly268Ter; replaces glycine 268 with a stop codon.
Molecular consequence: nonsense.
Genome position (GRCh38, 1-based): chr12:4,299,941, G>T. VCF-style: chr12-4299941-G-T. GRCh37 (hg19) VCF-style: chr12-4409107-G-T.
Other names: short protein forms G268*.
Identifiers: ClinVar variation 3775676 (VCV003775676.1).
Genomic context (GRCh38, chr12:4,299,941, plus strand): 5'-GAGCAGATTGAGGCGGTGCTCCTCAATAGCCTGCAGCAGTACCGTCAGGACCAACGTGAC[G>T]GATCCAAGTCGGAGGATGAACTGGACCAAGCCAGCACCCCTACAGACGTGCGGGATATCG-3'

ClinVar aggregate classification (germline): Likely pathogenic (1 of 4 stars; one submission).

Conditions:
Megalencephaly-polymicrogyria-polydactyly-hydrocephalus syndrome 3 (MPPH3). Identifiers: Orphanet 83473, MedGen C4014742, MONDO:0014408, OMIM 615938.

Submission:

3billion
Classification: Likely pathogenic for Megalencephaly-polymicrogyria-polydactyly-hydrocephalus syndrome 3. Last evaluated: 2023-10-11. Review status: criteria provided, single submitter. Criteria: ACMG Guidelines, 2015. Collection method: clinical testing. Allele origin: germline. Affected: yes.
Comment: The variant is not observed in the gnomAD v2.1.1 dataset. Predicted Consequence/Location: Stop-gained (nonsense): predicted to result in a loss or disruption of normal protein function through protein truncation. Multiple pathogenic variants are reported in the predicted truncated region. Therefore, this variant is classified as Likely pathogenic according to the recommendation of ACMG/AMP guideline.